The following is an entry in ClinVar:

ClinVar aggregate classification (germline): Conflicting classifications of pathogenicity. Review status: criteria provided, conflicting classifications (1 of 4 stars). 6 submissions from 6 submitters: Uncertain significance (2); Likely benign (3). 1 of the submissions does not count toward it. Last evaluated 2026-06-01.

Conditions:
RELN-related disorder. Also called: RELN-related condition.
Norman-Roberts syndrome (LIS2). Also called: Lissencephaly 2 (Norman-Roberts type). Identifiers: Orphanet 89844, MedGen C0796089, MONDO:0009760, OMIM 257320.
Familial temporal lobe epilepsy 7. Identifiers: Orphanet 101046, MedGen C4225327, MONDO:0014639, OMIM 616436.

Allele frequency attached by ClinVar (database versions not stated): gnomAD 0.00028 and 0.00029; ESP Exome Variant Server 0.00031; TOPMed 0.00039; 1000 Genomes Project 30x 0.00047; 1000 Genomes Project 0.00060; ExAC 0.00067; gnomAD exomes 0.00075.
gnomAD v4.1: 476 of 1,608,850 alleles (0.03%); highest among the groups gnomAD compares: Admixed American, 0.14%; 2 homozygotes.

Submissions (6):

CeGaT Center for Human Genetics Tuebingen
Classification: Likely benign. Last evaluated: 2026-06-01. Review status: criteria provided, single submitter. Criteria: CeGaT Center For Human Genetics Tuebingen Variant Classification Criteria Version 2. Collection method: clinical testing. Allele origin: germline. Affected: yes. Observed: 4 variant alleles.
Comment: RELN: BP4, BP7

Labcorp Genetics (formerly Invitae), Labcorp
Classification: Likely benign for Familial temporal lobe epilepsy 7; Norman-Roberts syndrome. Last evaluated: 2025-12-11. Review status: criteria provided, single submitter. Criteria: Invitae Variant Classification Sherloc (09022015). Collection method: clinical testing. Allele origin: germline.

GeneDx
Classification: Likely benign. Last evaluated: 2019-12-12. Review status: criteria provided, single submitter. Criteria: GeneDx Variant Classification Process June 2021. Collection method: clinical testing. Allele origin: germline. Affected: yes.

Illumina Laboratory Services, Illumina
Classification: Uncertain significance for Norman-Roberts syndrome. Last evaluated: 2018-01-13. Review status: criteria provided, single submitter. Criteria: ICSL Variant Classification Criteria 13 December 2019. Collection method: clinical testing. Allele origin: germline.

Genetic Services Laboratory, University of Chicago
Classification: Uncertain significance. Last evaluated: 2013-08-07. Review status: criteria provided, single submitter. Criteria: ACMG Guidelines, 2007. Collection method: clinical testing. Allele origin: germline. Inheritance: Autosomal recessive inheritance.

PreventionGenetics, part of Exact Sciences
Classification: Benign for RELN-related condition. Last evaluated: 2019-09-19. Review status: no assertion criteria provided. Collection method: clinical testing. Allele origin: germline. Not counted in ClinVar's aggregate classification.
Comment: This variant is classified as benign based on ACMG/AMP sequence variant interpretation guidelines (Richards et al. 2015 PMID: 25741868, with internal and published modifications).

NM_005045.4(RELN):c.5796C>T (p.Asn1932=)

Gene: RELN (reelin; minus strand). Cytogenetic location: 7q22.1.
Variant type: single nucleotide variant.
Coding change: c.5796C>T on transcript NM_005045.4 (MANE Select); coding-DNA position 5796, C replaced by T.
Protein change: p.Asn1932=; no amino-acid change (asparagine 1932 retained).
Molecular consequence: synonymous variant.
Genome position (GRCh38, 1-based): chr7:103,556,978, G>A on the plus strand (C>T on the coding strand, the complement: RELN is on the minus strand). VCF-style: chr7-103556978-G-A. GRCh37 (hg19) VCF-style: chr7-103197425-G-A.
Other names: c.5796C>T, p.Asn1932= (NM_173054.3).
Identifiers: ClinVar variation 130130 (VCV000130130.47), dbSNP rs200299096, ClinGen allele CA231456.
Genomic context (GRCh38, chr7:103,556,978, plus strand): 5'-ACAAATGTGTTAACATGCCACTATCAGTTCTGATCACAGGAGAACACATGCATTTTTACC[G>A]TTATTATAAGGTTGCCAGAGTCTGAATCTTGTAGCATTGGTTTGGGCAGTGTATGGCAAG-3'
Protein context (NP_005036.2, residues 1922-1942): TRFRLWQPYN[Asn1932=]GKKEEIWIVD